The following is an entry in ClinVar:

NM_170699.3(GPBAR1):c.903G>A (p.Gly301=)

Gene: GPBAR1 (G protein-coupled bile acid receptor 1; plus strand). Cytogenetic location: 2q35.
Variant type: single nucleotide variant.
Coding change: c.903G>A on transcript NM_170699.3 (MANE Select); coding-DNA position 903, G replaced by A.
Protein change: p.Gly301=; no amino-acid change (glycine 301 retained).
Molecular consequence: synonymous variant.
Genome position (GRCh38, 1-based): chr2:218,263,627, G>A. VCF-style: chr2-218263627-G-A. GRCh37 (hg19) VCF-style: chr2-219128350-G-A.
Other names: c.903G>A, p.Gly301= (NM_001077191.2, NM_001077194.2, NM_001321950.2); c.903G>A (NM_001321950.1).
Identifiers: ClinVar variation 598386 (VCV000598386.7), dbSNP rs200857397, ClinGen allele CA2102722.

ClinVar aggregate classification (germline): Likely benign. Review status: criteria provided, single submitter (1 of 4 stars). 2 submissions from 2 submitters: Likely benign (1). 1 of the submissions does not count toward it. Last evaluated 2018-08-16.

Conditions:
GPBAR1-related disorder. Also called: GPBAR1-related condition.

Allele frequency attached by ClinVar (database versions not stated): 1000 Genomes Project 30x 0.00016; 1000 Genomes Project 0.00020; TOPMed 0.00036; gnomAD 0.00054; gnomAD exomes 0.00062; ExAC 0.00065.

Submissions (2):

Eurofins Ntd Llc (ga)
Classification: Likely benign. Last evaluated: 2018-08-16. Review status: criteria provided, single submitter. Criteria: EGL ClinVar v180209 classification definitions. Collection method: clinical testing. Allele origin: germline. Observed: 1 variant allele, 1 heterozygote.

PreventionGenetics, part of Exact Sciences
Classification: Benign for GPBAR1-related condition. Last evaluated: 2019-08-26. Review status: no assertion criteria provided. Collection method: clinical testing. Allele origin: germline. Not counted in ClinVar's aggregate classification.
Comment: This variant is classified as benign based on ACMG/AMP sequence variant interpretation guidelines (Richards et al. 2015 PMID: 25741868, with internal and published modifications).